The following is an entry in ClinVar:

ClinVar aggregate classification (germline): Uncertain significance (1 of 4 stars; one submission).

Allele frequency attached by ClinVar (database versions not stated): gnomAD exomes 0.00003; TOPMed 0.00003; gnomAD 0.00004; ExAC 0.00008; 1000 Genomes Project 30x 0.00016; 1000 Genomes Project 0.00020.
gnomAD v4.1: 56 of 1,603,690 alleles (0.0035%); highest among the groups gnomAD compares: Admixed American, 0.012%; no homozygotes.

Submission:

Labcorp Genetics (formerly Invitae), Labcorp
Classification: Uncertain significance. Last evaluated: 2023-12-11. Review status: criteria provided, single submitter. Criteria: Invitae Variant Classification Sherloc (09022015). Collection method: clinical testing. Allele origin: germline.
Comment: This sequence change replaces glycine, which is neutral and non-polar, with serine, which is neutral and polar, at codon 981 of the LAMC3 protein (p.Gly981Ser). This variant is present in population databases (rs201747465, gnomAD 0.02%). This variant has not been reported in the literature in individuals affected with LAMC3-related conditions. ClinVar contains an entry for this variant (Variation ID: 1363590). Algorithms developed to predict the effect of missense changes on protein structure and function output the following: SIFT: "Not Available"; PolyPhen-2: "Benign"; Align-GVGD: "Not Available". The serine amino acid residue is found in multiple mammalian species, which suggests that this missense change does not adversely affect protein function. In summary, the available evidence is currently insufficient to determine the role of this variant in disease. Therefore, it has been classified as a Variant of Uncertain Significance.

NM_006059.4(LAMC3):c.2941G>A (p.Gly981Ser)

Gene: LAMC3 (laminin subunit gamma 3; plus strand). Cytogenetic location: 9q34.12.
Variant type: single nucleotide variant.
Coding change: c.2941G>A on transcript NM_006059.4 (MANE Select); coding-DNA position 2941, G replaced by A.
Protein change: p.Gly981Ser; replaces glycine 981 with serine.
Molecular consequence: missense variant.
Genome position (GRCh38, 1-based): chr9:131,069,722, G>A. VCF-style: chr9-131069722-G-A. GRCh37 (hg19) VCF-style: chr9-133945109-G-A.
Other names: short protein forms G981S.
Identifiers: ClinVar variation 1363590 (VCV001363590.4), dbSNP rs201747465, ClinGen allele CA5287628.